The following is an entry in ClinVar:

NM_020631.6(PLEKHG5):c.440-11C>T

Gene: PLEKHG5 (pleckstrin homology and RhoGEF domain containing G5; minus strand). Cytogenetic location: 1p36.31.
Variant type: single nucleotide variant.
Coding change: c.440-11C>T on transcript NM_020631.6 (MANE Select); 11 bases into the intron before coding-DNA position 440, C replaced by T.
Molecular consequence: intron variant.
Genome position (GRCh38, 1-based): chr1:6,474,175, G>A on the plus strand (C>T on the coding strand, the complement: PLEKHG5 is on the minus strand). VCF-style: chr1-6474175-G-A. GRCh37 (hg19) VCF-style: chr1-6534235-G-A.
Other names: c.440-11C>T (NM_198681.4, NM_001265594.3, NM_001042664.2 and 1 more transcripts); c.551-11C>T (NM_001042663.3, NM_001265592.2); c.647-11C>T (NM_001265593.2).
Identifiers: ClinVar variation 875781 (VCV000875781.14), dbSNP rs747418024, ClinGen allele CA561846.

ClinVar aggregate classification (germline): Conflicting classifications of pathogenicity. Review status: criteria provided, conflicting classifications (1 of 4 stars). 4 submissions from 4 submitters: Uncertain significance (1); Likely benign (3). Last evaluated 2024-10-01.

Conditions:
Neuronopathy, distal hereditary motor, autosomal recessive 4. Also called: NEUROPATHY, DISTAL HEREDITARY MOTOR, AUTOSOMAL RECESSIVE 4; Autosomal recessive lower motor neuron disease with childhood onset. Identifiers: Orphanet 206580, MedGen C1970211, MONDO:0012608, OMIM 611067.
Charcot-Marie-Tooth disease recessive intermediate C. Also called: CHARCOT-MARIE-TOOTH NEUROPATHY, RECESSIVE INTERMEDIATE C. Identifiers: Orphanet 369867, MedGen C3809309, MONDO:0014154, OMIM 615376.

Allele frequency attached by ClinVar (database versions not stated): gnomAD 0.00002; gnomAD exomes 0.00002; TOPMed 0.00002; ExAC 0.00003.
gnomAD v4.1: 20 of 1,613,004 alleles (0.0012%); highest among the groups gnomAD compares: Non-Finnish European, 0.0017%; no homozygotes.

Submissions (4):

Blueprint Genetics
Classification: Likely benign. Last evaluated: 2024-10-01. Review status: criteria provided, single submitter. Criteria: ACMG Guidelines, 2015. Collection method: clinical testing. Allele origin: germline.

Labcorp Genetics (formerly Invitae), Labcorp
Classification: Likely benign for Neuronopathy, distal hereditary motor, autosomal recessive 4; Charcot-Marie-Tooth disease recessive intermediate C. Last evaluated: 2024-08-21. Review status: criteria provided, single submitter. Criteria: Invitae Variant Classification Sherloc (09022015). Collection method: clinical testing. Allele origin: germline.

Women's Health and Genetics/Laboratory Corporation of America, LabCorp
Classification: Likely benign. Last evaluated: 2023-12-07. Review status: criteria provided, single submitter. Criteria: LabCorp Variant Classification Summary - May 2015. Collection method: clinical testing. Allele origin: germline.
Comment: Variant summary: PLEKHG5 c.440-11C>T alters a non-conserved nucleotide located at a position not widely known to affect splicing. Consensus agreement among computation tools predict no significant impact on normal splicing. However, these predictions have yet to be confirmed by functional studies. The variant allele was found at a frequency of 1.2e-05 in 1606026 control chromosomes (i.e. found in 20 carriers) in the gnomAD database (v4.0 dataset). This frequency is not higher than the estimated maximum expected for a pathogenic variant in PLEKHG5 causing Distal Spinal Muscular Atrophy, Autosomal Recessive 4 (1.2e-05 vs 0.0011), allowing no conclusion about variant significance. To our knowledge, no occurrence of c.440-11C>T in individuals affected with Distal Spinal Muscular Atrophy, Autosomal Recessive 4 and no experimental evidence demonstrating its impact on protein function have been reported. Two submitters have cited clinical-significance assessments for this variant to ClinVar after 2014. One submitter classified the variant as likely benign, and one submitter classified the variant as uncertain significance. Based on the evidence outlined above, the variant was classified as likely benign.

Illumina Laboratory Services, Illumina
Classification: Uncertain significance for Neuronopathy, distal hereditary motor, autosomal recessive 4. Last evaluated: 2018-01-12. Review status: criteria provided, single submitter. Criteria: ICSL Variant Classification Criteria 13 December 2019. Collection method: clinical testing. Allele origin: germline.